The following is an entry in ClinVar:

NM_004415.4(DSP):c.2026C>T (p.Arg676Cys)

Gene: DSP (desmoplakin; plus strand). Cytogenetic location: 6p24.3.
Variant type: single nucleotide variant.
Coding change: c.2026C>T on transcript NM_004415.4 (MANE Select); coding-DNA position 2026, C replaced by T.
Protein change: p.Arg676Cys; replaces arginine 676 with cysteine.
Molecular consequence: missense variant.
Genome position (GRCh38, 1-based): chr6:7,571,964, C>T. VCF-style: chr6-7571964-C-T. GRCh37 (hg19) VCF-style: chr6-7572197-C-T.
Other names: c.2026C>T, p.Arg676Cys (NM_001008844.3, NM_001319034.2); short protein forms R676C.
Identifiers: ClinVar variation 1172268 (VCV001172268.5), dbSNP rs756249036, ClinGen allele CA031339.

ClinVar aggregate classification (germline): Conflicting classifications of pathogenicity. Review status: criteria provided, conflicting classifications (1 of 4 stars). 2 submissions from 2 submitters: Uncertain significance (1); Likely benign (1). Last evaluated 2025-07-27.

Conditions:
Arrhythmogenic cardiomyopathy with wooly hair and keratoderma. Also called: Dilated cardiomyopathy with woolly hair and keratoderma; PALMOPLANTAR KERATODERMA WITH LEFT VENTRICULAR CARDIOMYOPATHY AND WOOLLY HAIR; Carvajal syndrome; Arrhythmogenic cardiomyopathy with woolly hair and keratoderma. Identifiers: Orphanet 65282, MedGen C1854063, MONDO:0011581, OMIM 605676.
Arrhythmogenic right ventricular dysplasia 8 (ARVD8). Also called: Arrhythmogenic Right Ventricular Dysplasia/Cardiomyopathy 8; ARRHYTHMOGENIC RIGHT VENTRICULAR DYSPLASIA, FAMILIAL, 8; ARRHYTHMOGENIC RIGHT VENTRICULAR CARDIOMYOPATHY 8. Identifiers: MedGen C1843896, MONDO:0011831, OMIM 607450.
Cardiomyopathy (CMYO). Also called: Cardiomyopathies. Identifiers: Orphanet 167848, MedGen C0878544, MONDO:0004994, HP:0001638. Inheritance: Various modes of inheritance.

Allele frequency attached by ClinVar (database versions not stated): gnomAD 0.00001; TOPMed 0.00001; ExAC 0.00002.
gnomAD v4.1: 11 of 1,613,994 alleles (0.00068%); highest among the groups gnomAD compares: East Asian, 0.0022%; no homozygotes.

Submissions (2):

Labcorp Genetics (formerly Invitae), Labcorp
Classification: Likely benign for Arrhythmogenic cardiomyopathy with wooly hair and keratoderma; Arrhythmogenic right ventricular dysplasia 8. Last evaluated: 2025-07-27. Review status: criteria provided, single submitter. Criteria: Invitae Variant Classification Sherloc (09022015). Collection method: clinical testing. Allele origin: germline.

Color Diagnostics, LLC DBA Color Health
Classification: Uncertain significance for Cardiomyopathy. Last evaluated: 2024-02-23. Review status: criteria provided, single submitter. Criteria: ACMG Guidelines, 2015. Collection method: clinical testing. Allele origin: germline.
Comment: This missense variant replaces arginine with cysteine at codon 676 of the DSP protein. Computational prediction suggests that this variant may not impact protein structure and function (internally defined REVEL score threshold <= 0.5, PMID: 27666373). To our knowledge, functional studies have not been reported for this variant. This variant has not been reported in individuals affected with DSP-related disorders in the literature. This variant has been identified in 2/251210 chromosomes in the general population by the Genome Aggregation Database (gnomAD). The available evidence is insufficient to determine the role of this variant in disease conclusively. Therefore, this variant is classified as a Variant of Uncertain Significance.